The following is an entry in ClinVar:

ClinVar aggregate classification (germline): Conflicting classifications of pathogenicity. Review status: criteria provided, conflicting classifications (1 of 4 stars). 7 submissions from 7 submitters: Pathogenic (1); Likely pathogenic (1); Uncertain significance (4). 1 of the submissions does not count toward it. Last evaluated 2025-11-23.

Conditions:
IVD-related disorder. Also called: IVD-related condition.
Isovaleryl-CoA dehydrogenase deficiency (IVA). Also called: IVD DEFICIENCY; Isovaleric acidemia; Classic Isovaleric Acidemia; ISOVALERIC ACID CoA DEHYDROGENASE DEFICIENCY. Identifiers: Orphanet 33, MedGen C0268575, MONDO:0009475, OMIM 243500.

Submissions (7):

Labcorp Genetics (formerly Invitae), Labcorp
Classification: Pathogenic for Isovaleryl-CoA dehydrogenase deficiency. Last evaluated: 2025-11-23. Review status: criteria provided, single submitter. Criteria: Invitae Variant Classification Sherloc (09022015). Collection method: clinical testing. Allele origin: germline.
Comment: This sequence change replaces aspartic acid, which is acidic and polar, with asparagine, which is neutral and polar, at codon 359 of the IVD protein (p.Asp359Asn). This variant is not present in population databases (gnomAD no frequency). This missense change has been observed in individual(s) with clinical features of isovaleric acidemia (internal data). ClinVar contains an entry for this variant (Variation ID: 94050). An algorithm developed to predict the effect of missense changes on protein structure and function (PolyPhen-2) suggests that this variant is likely to be disruptive. Algorithms developed to predict the effect of sequence changes on RNA splicing suggest that this variant may disrupt the consensus splice site. For these reasons, this variant has been classified as Pathogenic.

Women's Health and Genetics/Laboratory Corporation of America, LabCorp
Classification: Uncertain significance. Last evaluated: 2025-06-17. Review status: criteria provided, single submitter. Criteria: LabCorp Variant Classification Summary - May 2015. Collection method: clinical testing. Allele origin: germline.
Comment: Variant summary: IVD c.1066G>A (p.Asp356Asn) results in a conservative amino acid change in the encoded protein sequence. Algorithms developed to predict the effect of missense changes on protein structure and function are either unavailable or do not agree on the potential impact of this missense change. Consensus agreement among computation tools predict no significant impact on normal splicing. However, these predictions have yet to be confirmed by functional studies. The variant was absent in 251470 control chromosomes. The available data on variant occurrences in the general population are insufficient to allow any conclusion about variant significance. c.1066G>A has been observed in an inborn error of metabolism (Adhikari_2020). These report(s) do not provide unequivocal conclusions about association of the variant with Isovaleryl-CoA Dehydrogenase Deficiency. To our knowledge, no experimental evidence demonstrating an impact on protein function has been reported. The following publication have been ascertained in the context of this evaluation (PMID: 32778825). ClinVar contains an entry for this variant (Variation ID: 94050). Based on the evidence outlined above, the variant was classified as uncertain significance.

GeneDx
Classification: Uncertain significance. Last evaluated: 2024-09-20. Review status: criteria provided, single submitter. Criteria: GeneDx Variant Classification Process June 2021. Collection method: clinical testing. Allele origin: germline. Affected: yes.
Comment: Reported in a cohort of individuals with inborn errors of metabolism (PMID: 32778825); In silico analysis supports that this missense variant has a deleterious effect on protein structure/function; Not observed at significant frequency in large population cohorts (gnomAD); Also known as p.(D327N) and p.(D356N); This variant is associated with the following publications: (PMID: 32778825)

Baylor Genetics
Classification: Likely pathogenic for Isovaleryl-CoA dehydrogenase deficiency. Last evaluated: 2024-03-05. Review status: criteria provided, single submitter. Criteria: ACMG Guidelines, 2015. Collection method: clinical testing. Allele origin: unknown.

Mayo Clinic Laboratories, Mayo Clinic
Classification: Uncertain significance. Last evaluated: 2021-11-16. Review status: criteria provided, single submitter. Criteria: ACMG Guidelines, 2015. Collection method: clinical testing. Allele origin: germline.

Eurofins Ntd Llc (ga)
Classification: Uncertain significance. Last evaluated: 2013-04-10. Review status: criteria provided, single submitter. Criteria: EGL Classification Definitions 2015. Collection method: clinical testing. Allele origin: germline. Observed: 2 variant alleles, 2 homozygotes.

PreventionGenetics, part of Exact Sciences
Classification: Uncertain significance for IVD-related condition. Last evaluated: 2024-08-15. Review status: no assertion criteria provided. Collection method: clinical testing. Allele origin: germline. Not counted in ClinVar's aggregate classification.
Comment: The IVD c.1075G>A variant is predicted to result in the amino acid substitution p.Asp359Asn. This variant has been reported in a study of newborn screening for inborn errors of metabolism; however, detailed clinical information was not available (Table S5, Adhikari et al. 2020. PubMed ID: 32778825). This variant has not been reported in a large population database, indicating this variant is rare. This variant has been described in cases of isovaleryl-CoA dehydrogenase deficiency in ClinVar and its classification ranges from uncertain to pathogenic. An alternate nucleotide change affecting the same amino acid (p.Asp359Gly) has been reported in an individual with isovaleric acidemia (Li et al. 2019. PubMed ID: 31442447). Although we suspect that the c.1075G>A (p.Asp359Asn) variant may be pathogenic, at this time, the clinical significance of this variant is uncertain due to the absence of conclusive functional and genetic evidence.

Literature cited by the submitters: PubMed 32778825 (cited by Women's Health and Genetics/Laboratory Corporation of America, LabCorp).

NM_002225.5(IVD):c.1066G>A (p.Asp356Asn)

Gene: IVD (isovaleryl-CoA dehydrogenase; plus strand). Cytogenetic location: 15q15.1.
Variant type: single nucleotide variant.
Coding change: c.1066G>A on transcript NM_002225.5 (MANE Select); coding-DNA position 1066, G replaced by A.
Protein change: p.Asp356Asn; replaces aspartic acid 356 with asparagine.
Molecular consequence: missense variant. On other transcripts: non-coding transcript variant (1).
Genome position (GRCh38, 1-based): chr15:40,416,290, G>A. VCF-style: chr15-40416290-G-A. GRCh37 (hg19) VCF-style: chr15-40708489-G-A.
Other names: p.D359N:GAC>AAC; p.Asp356Asn; c.976G>A, p.Asp326Asn (NM_001159508.3); c.1018G>A, p.Asp340Asn (NM_001354597.3); c.1066G>A, p.Asp356Asn (NM_001354598.3, NM_001354601.3); c.1153G>A, p.Asp385Asn (NM_001354599.3, NM_001354600.3); short protein forms D356N, D326N, D340N, D385N.
Identifiers: ClinVar variation 94050 (VCV000094050.24), dbSNP rs398123679, ClinGen allele CA221929.